The following is an entry in ClinVar:

ClinVar aggregate classification (germline): not provided (0 of 4 stars; one submission).

Allele frequency attached by ClinVar (database versions not stated): 1000 Genomes Project 0.00439; 1000 Genomes Project 30x 0.00468; TOPMed 0.00003; gnomAD 0.00006 and 0.00070.

Submission:

Functional Genomics, Thrombosis Research Institute, India
No classification provided. Review status: no classification provided. Collection method: not provided. Allele origin: not provided.
Comment: The variant was detected by PCR and sequencing of a 601 bp region encompassing the rs9551963 SNP and subsequent assembly and comparison to ENSEMBLE reference sequence.

NM_001629.4(ALOX5AP):c.323+2451T>C

Gene: ALOX5AP (arachidonate 5-lipoxygenase activating protein; plus strand). Cytogenetic location: 13q12.3.
Variant type: single nucleotide variant.
Coding change: c.323+2451T>C on transcript NM_001629.4 (MANE Select); 2451 bases into the intron after coding-DNA position 323, T replaced by C.
Molecular consequence: intron variant.
Genome position (GRCh38, 1-based): chr13:30,758,476, T>C. VCF-style: chr13-30758476-T-C. GRCh37 (hg19) VCF-style: chr13-31332613-T-C.
Other names: c.494+2451T>C (NM_001204406.2).
Identifiers: ClinVar variation 120092 (VCV000120092.1), dbSNP rs281864911, ClinGen allele CA230622.